The following is an entry in ClinVar:

ClinVar aggregate classification (germline): Conflicting classifications of pathogenicity. Review status: criteria provided, conflicting classifications (1 of 4 stars). 2 submissions from 2 submitters: Uncertain significance (1); Likely benign (1). Last evaluated 2024-04-13.

Conditions:
Adams-Oliver syndrome 5 (AOS5). Identifiers: Orphanet 974, MedGen C4014970, MONDO:0014459, OMIM 616028.

Allele frequency attached by ClinVar (database versions not stated): ExAC 0.00002; gnomAD exomes 0.00001.
gnomAD v4.1: 8 of 1,612,828 alleles (0.0005%); highest among the groups gnomAD compares: South Asian, 0.0011%; no homozygotes.

Submissions (2):

Labcorp Genetics (formerly Invitae), Labcorp
Classification: Likely benign for Adams-Oliver syndrome 5. Last evaluated: 2024-04-13. Review status: criteria provided, single submitter. Criteria: Invitae Variant Classification Sherloc (09022015). Collection method: clinical testing. Allele origin: germline.

GeneDx
Classification: Uncertain significance. Last evaluated: 2023-07-28. Review status: criteria provided, single submitter. Criteria: GeneDx Variant Classification Process June 2021. Collection method: clinical testing. Allele origin: germline. Affected: yes.
Comment: Not observed at significant frequency in large population cohorts (gnomAD); In silico analysis supports that this missense variant does not alter protein structure/function; Observed in an individual with hypoplastic left heart syndrome in published literature (Iascone et al., 2012); This variant is associated with the following publications: (PMID: 21457232)

NM_017617.5(NOTCH1):c.4477T>C (p.Ser1493Pro)

Gene: NOTCH1 (notch receptor 1; minus strand). Cytogenetic location: 9q34.3.
Variant type: single nucleotide variant.
Coding change: c.4477T>C on transcript NM_017617.5 (MANE Select); coding-DNA position 4477, T replaced by C.
Protein change: p.Ser1493Pro; replaces serine 1493 with proline.
Molecular consequence: missense variant.
Genome position (GRCh38, 1-based): chr9:136,505,419, A>G on the plus strand (T>C on the coding strand, the complement: NOTCH1 is on the minus strand). VCF-style: chr9-136505419-A-G. GRCh37 (hg19) VCF-style: chr9-139399871-A-G.
Other names: c.4477T>C (NM_017617.3); short protein forms S1493P.
Identifiers: ClinVar variation 2717696 (VCV002717696.4), dbSNP rs749283347, ClinGen allele CA5340608.